The following is an entry in ClinVar:

ClinVar aggregate classification (germline): Uncertain significance (1 of 4 stars; one submission).

Conditions:
Epidermolysis bullosa simplex with nail dystrophy (EBS5D). Identifiers: MedGen C4225309, MONDO:0014661, OMIM 616487.
Epidermolysis bullosa simplex, Ogna type (EBS5A). Also called: EPIDERMOLYSIS BULLOSA SIMPLEX 5A, OGNA TYPE; Pidermolysis bullosa simplex 5A, Ogna type. Identifiers: Orphanet 79401, MedGen C0432317, MONDO:0007555, OMIM 131950.
Epidermolysis bullosa simplex 5C, with pyloric atresia (EBS5C). Also called: PLEC1-Related Epidermolysis Bullosa with Pyloric Atresia; PLEC-Related Epidermolysis Bullosa with Pyloric Atresia; Epidermolysis bullosa simplex with pyloric atresia. Identifiers: Orphanet 158684, MedGen C2677349, MONDO:0012807, OMIM 612138.
Autosomal recessive limb-girdle muscular dystrophy type 2Q (LGMDR17). Also called: MUSCULAR DYSTROPHY, LIMB-GIRDLE, AUTOSOMAL RECESSIVE 17. Identifiers: Orphanet 254361, MedGen C3150989, MONDO:0013390, OMIM 613723.
Epidermolysis bullosa simplex 5B, with muscular dystrophy (EBS5B). Also called: EPIDERMOLYSIS BULLOSA SIMPLEX AND LIMB-GIRDLE MUSCULAR DYSTROPHY; Epidermolysis bullosa simplex with muscular dystrophy. Identifiers: Orphanet 257, MedGen C2931072, MONDO:0009181, OMIM 226670.

Allele frequency attached by ClinVar (database versions not stated): gnomAD 0.00001.
gnomAD v4.1: 4 of 1,607,072 alleles (0.00025%); highest among the groups gnomAD compares: South Asian, 0.0044%; no homozygotes.

Submission:

Labcorp Genetics (formerly Invitae), Labcorp
Classification: Uncertain significance for Autosomal recessive limb-girdle muscular dystrophy type 2Q; Epidermolysis bullosa simplex, Ogna type; Epidermolysis bullosa simplex with nail dystrophy; Epidermolysis bullosa simplex 5C, with pyloric atresia; Epidermolysis bullosa simplex 5B, with muscular dystrophy. Last evaluated: 2024-01-25. Review status: criteria provided, single submitter. Criteria: Invitae Variant Classification Sherloc (09022015). Collection method: clinical testing. Allele origin: germline.
Comment: This sequence change replaces threonine, which is neutral and polar, with proline, which is neutral and non-polar, at codon 2244 of the PLEC protein (p.Thr2244Pro). This variant is not present in population databases (gnomAD no frequency). This variant has not been reported in the literature in individuals affected with PLEC-related conditions. An algorithm developed to predict the effect of missense changes on protein structure and function (PolyPhen-2) suggests that this variant is likely to be disruptive. In summary, the available evidence is currently insufficient to determine the role of this variant in disease. Therefore, it has been classified as a Variant of Uncertain Significance.

NM_201384.3(PLEC):c.6649A>C (p.Thr2217Pro)

Gene: PLEC (plectin; minus strand). Cytogenetic location: 8q24.3.
Variant type: single nucleotide variant.
Coding change: c.6649A>C on transcript NM_201384.3 (MANE Select); coding-DNA position 6649, A replaced by C.
Protein change: p.Thr2217Pro; replaces threonine 2217 with proline.
Molecular consequence: missense variant. On other transcripts: intron variant (1).
Genome position (GRCh38, 1-based): chr8:143,923,280, T>G on the plus strand (A>C on the coding strand, the complement: PLEC is on the minus strand). VCF-style: chr8-143923280-T-G. GRCh37 (hg19) VCF-style: chr8-144997448-T-G.
Other names: c.6730A>C, p.Thr2244Pro (NM_000445.5); c.6607A>C, p.Thr2203Pro (NM_201378.4); c.6583A>C, p.Thr2195Pro (NM_201379.3); c.7060A>C, p.Thr2354Pro (NM_201380.4); c.6553A>C, p.Thr2185Pro (NM_201381.3); c.6649A>C, p.Thr2217Pro (NM_201382.4); c.6661A>C, p.Thr2221Pro (NM_201383.3); c.4126-885A>C (NM_001410941.1); short protein forms T2354P, T2203P, T2217P, T2185P, T2195P, T2221P, T2244P.
Identifiers: ClinVar variation 2923954 (VCV002923954.3), dbSNP rs1823570897, ClinGen allele CA372533069.